The following is an entry in ClinVar:

ClinVar aggregate classification (germline): Pathogenic. Review status: no assertion criteria provided (0 of 4 stars). 2 submissions from 2 submitters: Pathogenic (2). Last evaluated 2020-08-13.

Conditions:
Optic atrophy 12. Also called: Optic Atrophy Type 12 (OPA12). Identifiers: MedGen C5436534, MONDO:0033549, OMIM 618977.
Optic atrophy. Identifiers: MedGen C0029124, MONDO:0003608, HP:0000648.
Spastic paraparesis. Identifiers: MedGen C0037771, HP:0002313.

Submissions (2):

OMIM
Classification: Pathogenic for OPTIC ATROPHY 12. Last evaluated: 2020-08-13. Review status: no assertion criteria provided. Collection method: literature only. Allele origin: germline.

Neurogenetics, IRCCS Istituto delle Scienze Neurologiche di Bologna
Classification: Pathogenic for Optic atrophy; Spastic paraparesis. Review status: no assertion criteria provided. Collection method: research, in vitro. Allele origin: germline. Affected: yes. Observed: 2 variant alleles.
Comment: Optic Atrophy 12, OPA12

Literature cited by the submitters: PubMed 32219868 (cited by OMIM and Neurogenetics, IRCCS Istituto delle Scienze Neurologiche di Bologna).

NM_006796.3(AFG3L2):c.1541C>T (p.Pro514Leu)

Gene: AFG3L2 (AFG3 like matrix AAA peptidase subunit 2; minus strand). Cytogenetic location: 18p11.21.
Variant type: single nucleotide variant.
Coding change: c.1541C>T on transcript NM_006796.3 (MANE Select); coding-DNA position 1541, C replaced by T.
Protein change: p.Pro514Leu; replaces proline 514 with leucine.
Molecular consequence: missense variant.
Genome position (GRCh38, 1-based): chr18:12,351,096, G>A on the plus strand (C>T on the coding strand, the complement: AFG3L2 is on the minus strand). VCF-style: chr18-12351096-G-A. GRCh37 (hg19) VCF-style: chr18-12351095-G-A.
Other names: short protein forms P514L.
Identifiers: ClinVar variation 973106 (VCV000973106.3), dbSNP rs1908300748, ClinGen allele CA401951713.
Genomic context (GRCh38, chr18:12,351,096, plus strand): 5'-ACTGATTTTAATATGCTTCTAAATAGGGTCCTCGTTATTTTCCACTCACCTGAAAACCCT[G>A]GAGTTAAAGATGCCAGTTTTCTTGCCAATTTATCCTTCTCCAGGGTACTGTCCAGTTTTA-3'
Protein context (NP_006787.2, residues 504-524): KLARKLASLT[Pro514Leu]GFSGADVANV